The following is an entry in ClinVar:

ClinVar aggregate classification (germline): Pathogenic (1 of 4 stars; one submission).

Conditions:
Familial focal epilepsy with variable foci (FPEVF). Identifiers: Orphanet 98820, MedGen C1858477, MONDO:0020310.

Submission:

Labcorp Genetics (formerly Invitae), Labcorp
Classification: Pathogenic for Familial focal epilepsy with variable foci. Last evaluated: 2024-05-08. Review status: criteria provided, single submitter. Criteria: Invitae Variant Classification Sherloc (09022015). Collection method: clinical testing. Allele origin: germline.
Comment: This sequence change creates a premature translational stop signal (p.Arg165Serfs*16) in the DEPDC5 gene. It is expected to result in an absent or disrupted protein product. Loss-of-function variants in DEPDC5 are known to be pathogenic (PMID: 23542697, 23542701). This variant is not present in population databases (gnomAD no frequency). This variant has not been reported in the literature in individuals affected with DEPDC5-related conditions. For these reasons, this variant has been classified as Pathogenic.

Literature cited by the submitters: PubMed 23542697; PubMed 23542701.

NM_001242896.3(DEPDC5):c.492dup (p.Arg165fs)

Gene: DEPDC5 (DEP domain containing 5, GATOR1 subcomplex subunit; plus strand). Cytogenetic location: 22q12.2.
Variant type: Duplication.
Coding change: c.492dup on transcript NM_001242896.3 (MANE Select); coding-DNA position 492, one base duplicated (T; older notation c.492dupT).
Protein change: p.Arg165fs; shifts the reading frame from arginine 165.
Molecular consequence: frameshift variant. On other transcripts: non-coding transcript variant (5).
Genome position (GRCh38, 1-based): chr22:31,783,915, T duplicated; the last of 3 consecutive T bases (chr22:31,783,913-31,783,915); duplicating any one gives the same sequence. VCF-style (leftmost placement, unchanged base first): chr22-31783912-G-GT. GRCh37 (hg19) VCF-style: chr22-32179898-G-GT.
Other names: c.492dup, p.Arg165fs (NM_001007188.4, NM_001136029.4, NM_001242897.2 and 7 more transcripts); c.408dup, p.Arg137fs (NM_001369901.1, NM_001369902.1); short protein forms R137fs, R165fs.
Identifiers: ClinVar variation 2752884 (VCV002752884.3), dbSNP rs2518363378, ClinGen allele CA2697552701.